The following is an entry in ClinVar:

ClinVar aggregate classification (germline): Uncertain significance (1 of 4 stars; one submission).

Conditions:
Inborn genetic diseases. Identifiers: MedGen C0950123, MeSH D030342.

Submission:

Ambry Genetics
Classification: Uncertain significance for Inborn genetic diseases. Last evaluated: 2025-05-01. Review status: criteria provided, single submitter. Criteria: Ambry Variant Classification Scheme 2023. Collection method: clinical testing. Allele origin: germline.
Comment: The p.E250D variant (also known as c.750G>C), located in coding exon 5 of the ETV6 gene, results from a G to C substitution at nucleotide position 750. The glutamic acid at codon 250 is replaced by aspartic acid, an amino acid with highly similar properties. This amino acid position is conserved. In addition, this alteration is predicted to be tolerated by in silico analysis. Based on the available evidence, the clinical significance of this variant remains unclear.

NM_001987.5(ETV6):c.750G>C (p.Glu250Asp)

Gene: ETV6 (ETS variant transcription factor 6; plus strand). Cytogenetic location: 12p13.2.
Variant type: single nucleotide variant.
Coding change: c.750G>C on transcript NM_001987.5 (MANE Select); coding-DNA position 750, G replaced by C.
Protein change: p.Glu250Asp; replaces glutamic acid 250 with aspartic acid.
Molecular consequence: missense variant.
Genome position (GRCh38, 1-based): chr12:11,869,710, G>C. VCF-style: chr12-11869710-G-C. GRCh37 (hg19) VCF-style: chr12-12022644-G-C.
Other names: c.747G>C, p.Glu249Asp (NM_001413913.1); c.723G>C, p.Glu241Asp (NM_001413914.1); c.486G>C, p.Glu162Asp (NM_001413915.1); c.750G>C, p.Glu250Asp (NM_001413916.1, NM_001413917.1); short protein forms E162D, E241D, E249D, E250D.
Identifiers: ClinVar variation 4020087 (VCV004020087.1).